The following is an entry in ClinVar:

ClinVar aggregate classification (germline): Likely benign. Review status: criteria provided, multiple submitters, no conflicts (2 of 4 stars). 2 submissions from 2 submitters: Likely benign (2). Last evaluated 2025-01-07.

gnomAD v4.1: 47 of 1,614,060 alleles (0.0029%); highest among the groups gnomAD compares: Admixed American, 0.02%; no homozygotes.

Submissions (2):

Mayo Clinic Laboratories, Mayo Clinic
Classification: Likely benign. Last evaluated: 2025-01-07. Review status: criteria provided, single submitter. Criteria: ACMG Guidelines, 2015. Collection method: clinical testing. Allele origin: germline. Observed: 1 variant allele.
Comment: BP4, BP7, PM2_supporting

Labcorp Genetics (formerly Invitae), Labcorp
Classification: Likely benign. Last evaluated: 2024-11-04. Review status: criteria provided, single submitter. Criteria: Invitae Variant Classification Sherloc (09022015). Collection method: clinical testing. Allele origin: germline.

NM_001355436.2(SPTB):c.3873C>T (p.Asn1291=)

Gene: SPTB (spectrin beta, erythrocytic; minus strand). Cytogenetic location: 14q23.3.
Variant type: single nucleotide variant.
Coding change: c.3873C>T on transcript NM_001355436.2 (MANE Select); coding-DNA position 3873, C replaced by T.
Protein change: p.Asn1291=; no amino-acid change (asparagine 1291 retained).
Molecular consequence: synonymous variant.
Genome position (GRCh38, 1-based): chr14:64,784,376, G>A on the plus strand (C>T on the coding strand, the complement: SPTB is on the minus strand). VCF-style: chr14-64784376-G-A. GRCh37 (hg19) VCF-style: chr14-65251094-G-A.
Other names: p.Asn1291=; c.3873C>T, p.Asn1291= (NM_001024858.4, NM_001355437.2).
Identifiers: ClinVar variation 3712108 (VCV003712108.3).